The following is an entry in ClinVar:

ClinVar aggregate classification (germline): Uncertain significance (1 of 4 stars; one submission).

Submission:

Labcorp Genetics (formerly Invitae), Labcorp
Classification: Uncertain significance. Last evaluated: 2022-03-27. Review status: criteria provided, single submitter. Criteria: Invitae Variant Classification Sherloc (09022015). Collection method: clinical testing. Allele origin: germline.
Comment: In summary, the available evidence is currently insufficient to determine the role of this variant in disease. Therefore, it has been classified as a Variant of Uncertain Significance. Algorithms developed to predict the effect of missense changes on protein structure and function are either unavailable or do not agree on the potential impact of this missense change (SIFT: "Tolerated"; PolyPhen-2: "Possibly Damaging"; Align-GVGD: "Class C0"). This variant has not been reported in the literature in individuals affected with RASA2-related conditions. This variant is not present in population databases (gnomAD no frequency). This sequence change replaces lysine, which is basic and polar, with arginine, which is basic and polar, at codon 211 of the RASA2 protein (p.Lys211Arg).

NM_006506.5(RASA2):c.632A>G (p.Lys211Arg)

Gene: RASA2 (RAS p21 protein activator 2; plus strand). Cytogenetic location: 3q23.
Variant type: single nucleotide variant.
Coding change: c.632A>G on transcript NM_006506.5 (MANE Select); coding-DNA position 632, A replaced by G.
Protein change: p.Lys211Arg; replaces lysine 211 with arginine.
Molecular consequence: missense variant.
Genome position (GRCh38, 1-based): chr3:141,555,860, A>G. VCF-style: chr3-141555860-A-G. GRCh37 (hg19) VCF-style: chr3-141274702-A-G.
Other names: c.632A>G, p.Lys211Arg (NM_001303245.3, NM_001303246.3); short protein forms K211R.
Identifiers: ClinVar variation 2118345 (VCV002118345.4), dbSNP rs2478641740, ClinGen allele CA354772642.
Genomic context (GRCh38, chr3:141,555,860, plus strand): 5'-GTTAAGTTCTACAAGGTAAAACTCTACCACATTGGAACAGGAATGACCAAAAGAAGACAA[A>G]AGTAAAGAAGAAAACAAGCAATCCGCAGTTTAATGAAATCTTTTATTTTGAGGTAATTTT-3'
Protein context (NP_006497.2, residues 201-221): GPSRNDQKKT[Lys211Arg]VKKKTSNPQF